The following is an entry in ClinVar:

NM_016188.5(ACTL6B):c.144G>C (p.Glu48Asp)

Gene: ACTL6B (actin like 6B; minus strand). Cytogenetic location: 7q22.1.
Variant type: single nucleotide variant.
Coding change: c.144G>C on transcript NM_016188.5 (MANE Select); coding-DNA position 144, G replaced by C.
Protein change: p.Glu48Asp; replaces glutamic acid 48 with aspartic acid.
Molecular consequence: missense variant. On other transcripts: non-coding transcript variant (1).
Genome position (GRCh38, 1-based): chr7:100,655,545, C>G on the plus strand (G>C on the coding strand, the complement: ACTL6B is on the minus strand). VCF-style: chr7-100655545-C-G. GRCh37 (hg19) VCF-style: chr7-100253168-C-G.
Other names: short protein forms E48D.
Identifiers: ClinVar variation 1285116 (VCV001285116.30), dbSNP rs141807780, ClinGen allele CA4387342.

ClinVar aggregate classification (germline): Likely benign. Review status: criteria provided, single submitter (1 of 4 stars). 3 submissions from 3 submitters: Likely benign (1). 2 of the submissions do not count toward it. Last evaluated 2026-09-01.

Allele frequency attached by ClinVar (database versions not stated): ESP Exome Variant Server 0.00085; 1000 Genomes Project 30x 0.00094; 1000 Genomes Project 0.00120.
gnomAD v4.1: 3,504 of 1,613,896 alleles (0.22%); highest among the groups gnomAD compares: Non-Finnish European, 0.15%; 29 homozygotes.

Submissions (3):

CeGaT Center for Human Genetics Tuebingen
Classification: Likely benign. Last evaluated: 2026-09-01. Review status: criteria provided, single submitter. Criteria: CeGaT Center For Human Genetics Tuebingen Variant Classification Criteria Version 2. Collection method: clinical testing. Allele origin: germline. Affected: yes. Observed: 9 variant alleles.
Comment: ACTL6B: BS2

Clinical Genetics DNA and cytogenetics Diagnostics Lab, Erasmus MC, Erasmus Medical Center
Classification: Likely benign. Review status: no assertion criteria provided. Collection method: clinical testing. Allele origin: germline. Affected: yes. Study: VKGL Data-share Consensus. Not counted in ClinVar's aggregate classification.

Genome Diagnostics Laboratory, University Medical Center Utrecht
Classification: Likely benign. Review status: no assertion criteria provided. Collection method: clinical testing. Allele origin: germline. Affected: yes. Study: VKGL Data-share Consensus. Not counted in ClinVar's aggregate classification.